The following is an entry in ClinVar:

ClinVar aggregate classification (germline): Conflicting classifications of pathogenicity. Review status: criteria provided, conflicting classifications (1 of 4 stars). 4 submissions from 4 submitters: Uncertain significance (1); Likely benign (3). Last evaluated 2025-08-31.

Conditions:
CYP4V2-related disorder. Also called: CYP4V2-related condition; CYP4V2-related disorders.
Inborn genetic diseases. Identifiers: MedGen C0950123, MeSH D030342.

Allele frequency attached by ClinVar (database versions not stated): gnomAD exomes 0.00015 and 0.00006; 1000 Genomes Project 30x 0.00031; 1000 Genomes Project 0.00040; gnomAD 0.00054 and 0.00060; TOPMed 0.00058; ESP Exome Variant Server 0.00062; ExAC 0.00015.
gnomAD v4.1: 174 of 1,614,218 alleles (0.011%); highest among the groups gnomAD compares: African/African-American, 0.2%; no homozygotes.

Submissions (4):

Labcorp Genetics (formerly Invitae), Labcorp
Classification: Likely benign. Last evaluated: 2025-08-31. Review status: criteria provided, single submitter. Criteria: Invitae Variant Classification Sherloc (09022015). Collection method: clinical testing. Allele origin: germline.

PreventionGenetics, part of Exact Sciences
Classification: Likely benign for CYP4V2-related condition. Last evaluated: 2024-11-03. Review status: criteria provided, single submitter. Criteria: ACMG Guidelines, 2015. Collection method: clinical testing. Allele origin: germline.
Comment: This variant is classified as likely benign based on ACMG/AMP sequence variant interpretation guidelines (Richards et al. 2015 PMID: 25741868, with internal and published modifications).

Blueprint Genetics
Classification: Likely benign. Last evaluated: 2023-09-14. Review status: criteria provided, single submitter. Criteria: ACMG Guidelines, 2015. Collection method: clinical testing. Allele origin: germline.

Ambry Genetics
Classification: Uncertain significance for Inborn genetic diseases. Last evaluated: 2021-08-04. Review status: criteria provided, single submitter. Criteria: Ambry Variant Classification Scheme 2023. Collection method: clinical testing. Allele origin: germline.

NM_207352.4(CYP4V2):c.951A>C (p.Glu317Asp)

Gene: CYP4V2 (cytochrome P450 family 4 subfamily V member 2; plus strand). Cytogenetic location: 4q35.2.
Variant type: single nucleotide variant.
Coding change: c.951A>C on transcript NM_207352.4 (MANE Select); coding-DNA position 951, A replaced by C.
Protein change: p.Glu317Asp; replaces glutamic acid 317 with aspartic acid.
Molecular consequence: missense variant.
Genome position (GRCh38, 1-based): chr4:186,201,306, A>C. VCF-style: chr4-186201306-A-C. GRCh37 (hg19) VCF-style: chr4-187122460-A-C.
Other names: short protein forms E317D.
Identifiers: ClinVar variation 955358 (VCV000955358.10), dbSNP rs144129557, ClinGen allele CA3162693.